The following is an entry in ClinVar:

NM_022552.5(DNMT3A):c.1998T>G (p.Cys666Trp)

Gene: DNMT3A (DNA methyltransferase 3 alpha; minus strand). Cytogenetic location: 2p23.3.
Variant type: single nucleotide variant.
Coding change: c.1998T>G on transcript NM_022552.5 (MANE Select); coding-DNA position 1998, T replaced by G.
Protein change: p.Cys666Trp; replaces cysteine 666 with tryptophan.
Molecular consequence: missense variant. On other transcripts: non-coding transcript variant (1).
Genome position (GRCh38, 1-based): chr2:25,241,646, A>C on the plus strand (T>G on the coding strand, the complement: DNMT3A is on the minus strand). VCF-style: chr2-25241646-A-C. GRCh37 (hg19) VCF-style: chr2-25464515-A-C.
Other names: c.1542T>G, p.Cys514Trp (NM_001320893.1); c.1329T>G, p.Cys443Trp (NM_001375819.1); c.1431T>G, p.Cys477Trp (NM_153759.3); c.1998T>G, p.Cys666Trp (NM_175629.2); short protein forms C443W, C477W, C514W, C666W.
Identifiers: ClinVar variation 4013895 (VCV004013895.1).

ClinVar aggregate classification (germline): Uncertain significance (1 of 4 stars; one submission).

Conditions:
Inborn genetic diseases. Identifiers: MedGen C0950123, MeSH D030342.

Submission:

Ambry Genetics
Classification: Uncertain significance for Inborn genetic diseases. Last evaluated: 2025-03-28. Review status: criteria provided, single submitter. Criteria: Ambry Variant Classification Scheme 2023. Collection method: clinical testing. Allele origin: germline.
Comment: The p.C666W variant (also known as c.1998T>G), located in coding exon 16 of the DNMT3A gene, results from a T to G substitution at nucleotide position 1998. The cysteine at codon 666 is replaced by tryptophan, an amino acid with highly dissimilar properties. This amino acid position is conserved. In addition, this alteration is predicted to be deleterious by in silico analysis. Based on the available evidence, the clinical significance of this variant remains unclear.